The following is an entry in ClinVar:

ClinVar aggregate classification (germline): Uncertain significance (1 of 4 stars; one submission).

Conditions:
Hereditary cancer-predisposing syndrome. Also called: Neoplastic Syndromes, Hereditary; Tumor predisposition; Hereditary Cancer Syndrome; Hereditary neoplastic syndrome. Identifiers: Orphanet 140162, MedGen C0027672, MeSH D009386, MONDO:0015356.

Submission:

Ambry Genetics
Classification: Uncertain significance for Hereditary cancer-predisposing syndrome. Last evaluated: 2022-01-21. Review status: criteria provided, single submitter. Criteria: Ambry Variant Classification Scheme 2023. Collection method: clinical testing. Allele origin: germline.
Comment: The p.Y685N variant (also known as c.2053T>A), located in coding exon 14 of the MSH3 gene, results from a T to A substitution at nucleotide position 2053. The tyrosine at codon 685 is replaced by asparagine, an amino acid with dissimilar properties. This amino acid position is conserved. In addition, this alteration is predicted to be deleterious by in silico analysis. Since supporting evidence is limited at this time, the clinical significance of this alteration remains unclear.

NM_002439.5(MSH3):c.2053T>A (p.Tyr685Asn)

Gene: MSH3 (mutS homolog 3; plus strand). Cytogenetic location: 5q14.1.
Variant type: single nucleotide variant.
Coding change: c.2053T>A on transcript NM_002439.5 (MANE Select); coding-DNA position 2053, T replaced by A.
Protein change: p.Tyr685Asn; replaces tyrosine 685 with asparagine.
Molecular consequence: missense variant.
Genome position (GRCh38, 1-based): chr5:80,768,089, T>A. VCF-style: chr5-80768089-T-A. GRCh37 (hg19) VCF-style: chr5-80063908-T-A.
Other names: short protein forms Y685N.
Identifiers: ClinVar variation 1785106 (VCV001785106.2), dbSNP rs2546773724, ClinGen allele CA360277895.